The following is an entry in ClinVar:

NM_014892.5(SCAF8):c.-407C>T

Gene: SCAF8 (SR-related CTD associated factor 8; plus strand). Cytogenetic location: 6q25.2.
Variant type: single nucleotide variant.
Coding change: c.-407C>T on transcript NM_014892.5 (MANE Select); 407 bases upstream of the start codon, C replaced by T.
Molecular consequence: 5 prime UTR variant. On other transcripts: synonymous variant (3).
Genome position (GRCh38, 1-based): chr6:154,733,494, C>T. VCF-style: chr6-154733494-C-T. GRCh37 (hg19) VCF-style: chr6-155054628-C-T.
Other names: c.72C>T, p.Ser24= (NM_001286188.1, NM_001286189.1, NM_001286194.1); c.-116C>T (NM_001286199.2).
Identifiers: ClinVar variation 3366331 (VCV003366331.1).
Genomic context (GRCh38, chr6:154,733,494, plus strand): 5'-GCTGCTGCCAGCGCTTCCTCCTCTGTCTTCGCCGAGCGGGGCTGGTTCCTGCGGCCCGAG[C>T]GGCGGGGAGGTGAAACAGGAGCCCGTCGGAGGAAGGGGCAGAAGGGAGTGGAGAGTGTAG-3'

ClinVar aggregate classification (germline): Uncertain significance (1 of 4 stars; one submission).

gnomAD v4.1: 75 of 1,322,030 alleles (0.0057%); highest among the groups gnomAD compares: South Asian, 0.12%; no homozygotes.

Submission:

Women's Health and Genetics/Laboratory Corporation of America, LabCorp
Classification: Uncertain significance. Last evaluated: 2024-08-12. Review status: criteria provided, single submitter. Criteria: LabCorp Variant Classification Summary - May 2015. Collection method: clinical testing. Allele origin: germline.
Comment: Variant summary: SCAF8 c.-407C>T is located in the untranslated mRNA region upstream of the initiation codon. The variant allele was found at a frequency of 0.00016 in 6402 control chromosomes. The available data on variant occurrences in the general population are insufficient to allow any conclusion about variant significance. To our knowledge, no occurrence of c.-407C>T in individuals affected with SCAF8-Related Disorders and no experimental evidence demonstrating its impact on protein function have been reported. No submitters have cited clinical-significance assessments for this variant to ClinVar. Based on the evidence outlined above, the variant was classified as uncertain significance.